The following is an entry in ClinVar:

NM_020779.4(WDR35):c.1276A>G (p.Thr426Ala)

Gene: WDR35 (WD repeat domain 35; minus strand). Cytogenetic location: 2p24.1.
Variant type: single nucleotide variant.
Coding change: c.1276A>G on transcript NM_020779.4 (MANE Select); coding-DNA position 1276, A replaced by G.
Protein change: p.Thr426Ala; replaces threonine 426 with alanine.
Molecular consequence: missense variant.
Genome position (GRCh38, 1-based): chr2:19,953,958, T>C on the plus strand (A>G on the coding strand, the complement: WDR35 is on the minus strand). VCF-style: chr2-19953958-T-C. GRCh37 (hg19) VCF-style: chr2-20153719-T-C.
Other names: c.1309A>G, p.Thr437Ala (NM_001006657.2); short protein forms T426A, T437A.
Identifiers: ClinVar variation 1347328 (VCV001347328.6), dbSNP rs1371644144, ClinGen allele CA345945722.
Genomic context (GRCh38, chr2:19,953,958, plus strand): 5'-CCACACGATATTGCCAGGTATAAAATGCTTCTTTCGAGGCTGCTATCACATGGGTTTTGG[T>C]CATTGCAACAAACAATGGTACTGTTAAAAATAACATTAAGATAATTTACAGTTACACAGA-3'
Protein context (NP_065830.2, residues 416-436): IDIVPLFVAM[Thr426Ala]KTHVIAASKE

ClinVar aggregate classification (germline): Uncertain significance (1 of 4 stars; one submission).

Conditions:
Cranioectodermal dysplasia 2 (CED2). Identifiers: Orphanet 1515, MedGen C3150874, MONDO:0013323, OMIM 613610.
Short-rib thoracic dysplasia 7 with or without polydactyly (SRTD7). Also called: Short rib polydactyly syndrome 5; SHORT-RIB THORACIC DYSPLASIA 7 WITH POLYDACTYLY. Identifiers: Orphanet 498497, Orphanet 93271, MedGen C3279792, MONDO:0013569, OMIM 614091.

Allele frequency attached by ClinVar (database versions not stated): gnomAD exomes below 0.00001; TOPMed below 0.00001; gnomAD 0.00001.

Submission:

Labcorp Genetics (formerly Invitae), Labcorp
Classification: Uncertain significance for Cranioectodermal dysplasia 2; Short-rib thoracic dysplasia 7 with or without polydactyly. Last evaluated: 2021-10-20. Review status: criteria provided, single submitter. Criteria: Invitae Variant Classification Sherloc (09022015). Collection method: clinical testing. Allele origin: germline.
Comment: In summary, the available evidence is currently insufficient to determine the role of this variant in disease. Therefore, it has been classified as a Variant of Uncertain Significance. This sequence change replaces threonine, which is neutral and polar, with alanine, which is neutral and non-polar, at codon 437 of the WDR35 protein (p.Thr437Ala). This variant is present in population databases (no rsID available, gnomAD 0.003%). This variant has not been reported in the literature in individuals affected with WDR35-related conditions. Algorithms developed to predict the effect of missense changes on protein structure and function are either unavailable or do not agree on the potential impact of this missense change (SIFT: "Tolerated"; PolyPhen-2: "Probably Damaging"; Align-GVGD: "Class C0").